The following is an entry in ClinVar:

NM_033305.3(VPS13A):c.89delinsAA (p.Gly30fs)

Genes: VPS13A (vacuolar protein sorting 13 homolog A; plus strand), VPS13A-AS1 (VPS13A antisense RNA 1; minus strand). Cytogenetic location: 9q21.2.
Variant type: Indel.
Coding change: c.89delinsAA on transcript NM_033305.3 (MANE Select); coding-DNA position 89, G replaced by AA.
Protein change: p.Gly30fs; shifts the reading frame from glycine 30.
Molecular consequence: frameshift variant. On other transcripts: non-coding transcript variant (1).
Genome position (GRCh38, 1-based): chr9:77,177,793, G replaced by AA. VCF-style: chr9-77177793-G-AA. GRCh37 (hg19) VCF-style: chr9-79792709-G-AA.
Other names: c.89delinsAA, p.Gly30fs (NM_001018037.2, NM_001018038.3, NM_015186.4); short protein forms G30fs.
Identifiers: ClinVar variation 5016278 (VCV005016278.1).

ClinVar aggregate classification (germline): Pathogenic (1 of 4 stars; one submission).

Conditions:
VPS13A-related neurodegenerative disease. Also called: ACANTHOCYTOSIS WITH NEUROLOGIC DISORDER; LEVINE-CRITCHLEY SYNDROME; Choreoacanthocytosis; Chorea-acanthocytosis; Choreaacanthocytosis; VPS13A Disease. Identifiers: Orphanet 2388, MedGen C0393576, MONDO:0008695, OMIM 200150.

Submission:

Myriad Genetics, Inc.
Classification: Pathogenic for VPS13A-related neurodegenerative disease. Last evaluated: 2026-08-25. Review status: criteria provided, single submitter. Criteria: Myriad Autosomal Dominant, Autosomal Recessive and X-Linked Classification Criteria (2023). Collection method: clinical testing. Allele origin: unknown.
Comment: NM_033305.2(VPS13A):c.89delGinsAA(G30Efs*15) is expected to be pathogenic in the context of VPS13A disease. This variant is predicted to lead to an abnormal or absent protein product due to the creation of a premature termination codon in VPS13A, a gene where loss-of-function variants are known to be pathogenic. Please note: this variant was assessed in the context of healthy population screening.